The following is an entry in ClinVar:

ClinVar aggregate classification (germline): Uncertain significance (1 of 4 stars; one submission).

Conditions:
Primary ciliary dyskinesia 6. Also called: Primary Ciliary Dyskinesia 6: TXNDC3-Related Primary Ciliary Dyskinesia. Identifiers: Orphanet 244, MedGen C1970506, MONDO:0012571, OMIM 610852.

Submission:

Labcorp Genetics (formerly Invitae), Labcorp
Classification: Uncertain significance for Primary ciliary dyskinesia 6. Last evaluated: 2024-11-21. Review status: criteria provided, single submitter. Criteria: Invitae Variant Classification Sherloc (09022015). Collection method: clinical testing. Allele origin: germline.
Comment: This sequence change replaces serine, which is neutral and polar, with arginine, which is basic and polar, at codon 3 of the NME8 protein (p.Ser3Arg). This variant is not present in population databases (gnomAD no frequency). This variant has not been reported in the literature in individuals affected with NME8-related conditions. Invitae Evidence Modeling of protein sequence and biophysical properties (such as structural, functional, and spatial information, amino acid conservation, physicochemical variation, residue mobility, and thermodynamic stability) indicates that this missense variant is not expected to disrupt NME8 protein function with a negative predictive value of 80%. In summary, the available evidence is currently insufficient to determine the role of this variant in disease. Therefore, it has been classified as a Variant of Uncertain Significance.

NM_016616.5(NME8):c.9C>G (p.Ser3Arg)

Gene: NME8 (NME/NM23 family member 8; plus strand). Cytogenetic location: 7p14.1.
Variant type: single nucleotide variant.
Coding change: c.9C>G on transcript NM_016616.5 (MANE Select); coding-DNA position 9, C replaced by G.
Protein change: p.Ser3Arg; replaces serine 3 with arginine.
Molecular consequence: missense variant.
Genome position (GRCh38, 1-based): chr7:37,850,275, C>G. VCF-style: chr7-37850275-C-G. GRCh37 (hg19) VCF-style: chr7-37889877-C-G.
Other names: short protein forms S3R.
Identifiers: ClinVar variation 3711808 (VCV003711808.2).